The following is an entry in ClinVar:

ClinVar aggregate classification (germline): Pathogenic/Likely pathogenic. Review status: criteria provided, multiple submitters, no conflicts (2 of 4 stars). 2 submissions from 2 submitters: Pathogenic (1); Likely pathogenic (1). Last evaluated 2026-01-15.

Conditions:
GPAA1-related disorder. Also called: GPAA1-related condition.

Allele frequency attached by ClinVar (database versions not stated): gnomAD 0.00003; TOPMed 0.00003; ExAC 0.00004; ESP Exome Variant Server 0.00008.
gnomAD v4.1: 12 of 1,565,282 alleles (0.00077%); highest among the groups gnomAD compares: African/African-American, 0.014%; no homozygotes.

Submissions (2):

PreventionGenetics, part of Exact Sciences
Classification: Likely pathogenic for GPAA1-related condition. Last evaluated: 2026-01-15. Review status: criteria provided, single submitter. Criteria: ACMG Guidelines, 2015. Collection method: clinical testing. Allele origin: germline.
Comment: The GPAA1 c.1256C>G variant is predicted to result in premature protein termination (p.Ser419*). To our knowledge, this variant has not been previously reported in the literature. This variant is reported in 0.025% of alleles in individuals of African descent in gnomAD. Nonsense variants in GPAA1 are expected to be pathogenic. This variant is interpreted as likely pathogenic.

Labcorp Genetics (formerly Invitae), Labcorp
Classification: Pathogenic. Last evaluated: 2025-07-30. Review status: criteria provided, single submitter. Criteria: Invitae Variant Classification Sherloc (09022015). Collection method: clinical testing. Allele origin: germline.
Comment: This sequence change creates a premature translational stop signal (p.Ser419*) in the GPAA1 gene. It is expected to result in an absent or disrupted protein product. Loss-of-function variants in GPAA1 are known to be pathogenic (PMID: 29100095). This variant is present in population databases (rs372939605, gnomAD 0.02%). This variant has not been reported in the literature in individuals affected with GPAA1-related conditions. ClinVar contains an entry for this variant (Variation ID: 1954344). For these reasons, this variant has been classified as Pathogenic.

Literature cited by the submitters: PubMed 29100095 (cited by Labcorp Genetics (formerly Invitae), Labcorp).

NM_003801.4(GPAA1):c.1256C>G (p.Ser419Ter)

Gene: GPAA1 (glycosylphosphatidylinositol anchor attachment 1; plus strand). Cytogenetic location: 8q24.3.
Variant type: single nucleotide variant.
Coding change: c.1256C>G on transcript NM_003801.4 (MANE Select); coding-DNA position 1256, C replaced by G.
Protein change: p.Ser419Ter; replaces serine 419 with a stop codon.
Molecular consequence: nonsense.
Genome position (GRCh38, 1-based): chr8:144,085,134, C>G. VCF-style: chr8-144085134-C-G. GRCh37 (hg19) VCF-style: chr8-145140037-C-G.
Other names: short protein forms S419*.
Identifiers: ClinVar variation 1954344 (VCV001954344.7), dbSNP rs372939605, ClinGen allele CA4933108.